The following is an entry in ClinVar:

ClinVar aggregate classification (germline): Uncertain significance (1 of 4 stars; one submission).

gnomAD v4.1: 1 of 1,613,296 alleles (0.000062%); highest among the groups gnomAD compares: Non-Finnish European, 0.000085%; no homozygotes.

Submission:

Ambry Genetics
Classification: Uncertain significance. Last evaluated: 2025-06-26. Review status: criteria provided, single submitter. Criteria: Ambry Variant Classification Scheme 2023. Collection method: clinical testing. Allele origin: germline.
Comment: The p.H1279Y variant (also known as c.3835C>T), located in coding exon 8 of the MLH3 gene, results from a C to T substitution at nucleotide position 3835. The histidine at codon 1279 is replaced by tyrosine, an amino acid with similar properties. This amino acid position is conserved. In addition, this alteration is predicted to be tolerated by in silico analysis. Based on the available evidence, the clinical significance of this variant remains unclear.

NM_001040108.2(MLH3):c.3835C>T (p.His1279Tyr)

Gene: MLH3 (mutL homolog 3; minus strand). Cytogenetic location: 14q24.3.
Variant type: single nucleotide variant.
Coding change: c.3835C>T on transcript NM_001040108.2 (MANE Select); coding-DNA position 3835, C replaced by T.
Protein change: p.His1279Tyr; replaces histidine 1279 with tyrosine.
Molecular consequence: missense variant.
Genome position (GRCh38, 1-based): chr14:75,030,695, G>A on the plus strand (C>T on the coding strand, the complement: MLH3 is on the minus strand). VCF-style: chr14-75030695-G-A. GRCh37 (hg19) VCF-style: chr14-75497398-G-A.
Other names: c.3763C>T, p.His1255Tyr (NM_014381.3); short protein forms H1279Y, H1255Y.
Identifiers: ClinVar variation 4108625 (VCV004108625.1).